The following is an entry in ClinVar:

NM_001195755.2(FFAR4):c.226T>G (p.Cys76Gly)

Gene: FFAR4 (free fatty acid receptor 4; plus strand). Cytogenetic location: 10q23.33.
Variant type: single nucleotide variant.
Coding change: c.226T>G on transcript NM_001195755.2 (MANE Select); coding-DNA position 226, T replaced by G.
Protein change: p.Cys76Gly; replaces cysteine 76 with glycine.
Molecular consequence: missense variant.
Genome position (GRCh38, 1-based): chr10:93,566,946, T>G. VCF-style: chr10-93566946-T-G. GRCh37 (hg19) VCF-style: chr10-95326703-T-G.
Other names: c.226T>G, p.Cys76Gly (NM_181745.4); short protein forms C76G.
Identifiers: ClinVar variation 1049069 (VCV001049069.1), dbSNP rs147767392, ClinGen allele CA211531872.

ClinVar aggregate classification (germline): Uncertain significance (0 of 4 stars; one submission).

Allele frequency attached by ClinVar (database versions not stated): gnomAD exomes below 0.00001; TOPMed below 0.00001; ESP Exome Variant Server 0.00008.
gnomAD v4.1: 1 of 1,610,754 alleles (0.000062%); highest among the groups gnomAD compares: Non-Finnish European, 0.000085%; no homozygotes.

Submission:

Department of Pathology and Laboratory Medicine, Sinai Health System
Classification: Uncertain significance. Review status: no assertion criteria provided. Collection method: clinical testing. Allele origin: unknown. Affected: yes. Study: The Canadian Open Genetics Repository (COGR).
Comment: The FFAR4 p.Cys76Gly variant was not identified in the literature nor was it identified in ClinVar, Cosmic or the following control databases: the 1000 Genomes Project, the NHLBI GO Exome Sequencing Project, the Exome Aggregation Consortium (August 8th 2016), or the Genome Aggregation Database (Feb 27, 2017). The variant was identified in dbSNP (ID: rs147767392). The variant occurs outside of the splicing consensus sequence and in silico or computational prediction software programs (SpliceSiteFinder, MaxEntScan, NNSPLICE, GeneSplicer) do not predict a difference in splicing. The p.Cys76 residue is not conserved in mammals and computational analyses (PolyPhen-2, SIFT, AlignGVGD, BLOSUM, MutationTaster) provide inconsistent predictions regarding the impact to the protein; this information is not very predictive of pathogenicity. In summary, based on the above information the clinical significance of this variant cannot be determined with certainty at this time. This variant is classified as a variant of uncertain significance.